The following is an entry in ClinVar:

NM_005732.4(RAD50):c.3090A>T (p.Glu1030Asp)

Gene: RAD50 (RAD50 double strand break repair protein; plus strand). Cytogenetic location: 5q31.1.
Variant type: single nucleotide variant.
Coding change: c.3090A>T on transcript NM_005732.4 (MANE Select); coding-DNA position 3090, A replaced by T.
Protein change: p.Glu1030Asp; replaces glutamic acid 1030 with aspartic acid.
Molecular consequence: missense variant.
Genome position (GRCh38, 1-based): chr5:132,616,056, A>T. VCF-style: chr5-132616056-A-T. GRCh37 (hg19) VCF-style: chr5-131951748-A-T.
Other names: short protein forms E1030D.
Identifiers: ClinVar variation 1727458 (VCV001727458.2), dbSNP rs2479384366, ClinGen allele CA360963603.
Genomic context (GRCh38, chr5:132,616,056, plus strand): 5'-CCTTTAGATACAAGAAAGGTGGCTACAAGATAACCTTACTTTAAGAAAAAGAAATGAGGA[A>T]CTAAAAGAAGTTGAAGAAGAAAGAAAACAACATTTGAAGGAAATGGGTCAAATGCAGGTT-3'
Protein context (NP_005723.2, residues 1020-1040): DNLTLRKRNE[Glu1030Asp]LKEVEEERKQ

ClinVar aggregate classification (germline): Uncertain significance (1 of 4 stars; one submission).

Conditions:
Hereditary cancer-predisposing syndrome. Also called: Tumor predisposition; Neoplastic Syndromes, Hereditary; Hereditary Cancer Syndrome; Hereditary neoplastic syndrome. Identifiers: Orphanet 140162, MedGen C0027672, MeSH D009386, MONDO:0015356.

Allele frequency attached by ClinVar (database versions not stated): gnomAD exomes below 0.00001.
gnomAD v4.1: 1 of 1,609,064 alleles (0.000062%); highest among the groups gnomAD compares: African/African-American, 0.0013%; no homozygotes.

Submission:

Ambry Genetics
Classification: Uncertain significance for Hereditary cancer-predisposing syndrome. Last evaluated: 2021-12-22. Review status: criteria provided, single submitter. Criteria: Ambry Variant Classification Scheme 2023. Collection method: clinical testing. Allele origin: germline.
Comment: The p.E1030D variant (also known as c.3090A>T), located in coding exon 20 of the RAD50 gene, results from an A to T substitution at nucleotide position 3090. The glutamic acid at codon 1030 is replaced by aspartic acid, an amino acid with highly similar properties. This amino acid position is conserved. In addition, this alteration is predicted to be tolerated by in silico analysis. Since supporting evidence is limited at this time, the clinical significance of this alteration remains unclear.